The following is an entry in ClinVar:

NM_004329.3(BMPR1A):c.1343-4A>G

Gene: BMPR1A (bone morphogenetic protein receptor type 1A; plus strand). Cytogenetic location: 10q23.2.
Variant type: single nucleotide variant.
Coding change: c.1343-4A>G on transcript NM_004329.3 (MANE Select); 4 bases into the intron before coding-DNA position 1343, A replaced by G.
Molecular consequence: intron variant.
Genome position (GRCh38, 1-based): chr10:86,923,372, A>G. VCF-style: chr10-86923372-A-G. GRCh37 (hg19) VCF-style: chr10-88683129-A-G.
Identifiers: ClinVar variation 233310 (VCV000233310.10), dbSNP rs876660326, ClinGen allele CA10578896.
Genomic context (GRCh38, chr10:86,923,372, plus strand): 5'-TACTAGATTGGTATATCTTGTCCAGCAACCATTTTTGTGCCCATGTTTTCTCATTCCCTT[A>G]TAGGGATCGTGGAAGAATACCAATTGCCATATTACAACATGGTACCGAGTGATCCGTCAT-3'

ClinVar aggregate classification (germline): Conflicting classifications of pathogenicity. Review status: criteria provided, conflicting classifications (1 of 4 stars). 3 submissions from 3 submitters: Uncertain significance (1); Likely benign (2). Last evaluated 2025-05-12.

Conditions:
Juvenile polyposis syndrome (JPS). Identifiers: Orphanet 2929, MedGen C0345893, MONDO:0017380, OMIM 174900.
Hereditary cancer-predisposing syndrome. Also called: Tumor predisposition; Hereditary Cancer Syndrome; Hereditary neoplastic syndrome; Neoplastic Syndromes, Hereditary. Identifiers: Orphanet 140162, MedGen C0027672, MeSH D009386, MONDO:0015356.

Allele frequency attached by ClinVar (database versions not stated): TOPMed below 0.00001.

Submissions (3):

Ambry Genetics
Classification: Uncertain significance for Hereditary cancer-predisposing syndrome. Last evaluated: 2025-05-12. Review status: criteria provided, single submitter. Criteria: Ambry Variant Classification Scheme 2023. Collection method: clinical testing. Allele origin: germline.
Comment: The c.1343-4A>G intronic variant results from an A to G substitution 4 nucleotides upstream from coding exon 10 in the BMPR1A gene. This nucleotide position is poorly conserved in available vertebrate species. In silico splice site analysis predicts that this alteration will not have any significant effect on splicing. Based on the available evidence, the clinical significance of this variant remains unclear.

Myriad Genetics, Inc.
Classification: Likely benign for Juvenile polyposis syndrome. Last evaluated: 2024-08-07. Review status: criteria provided, single submitter. Criteria: Myriad Autosomal Dominant, Autosomal Recessive and X-Linked Classification Criteria (2023). Collection method: clinical testing. Allele origin: unknown.
Comment: This variant is considered likely benign. This variant is intronic and is not expected to impact mRNA splicing.

Labcorp Genetics (formerly Invitae), Labcorp
Classification: Likely benign for Juvenile polyposis syndrome. Last evaluated: 2024-04-10. Review status: criteria provided, single submitter. Criteria: Invitae Variant Classification Sherloc (09022015). Collection method: clinical testing. Allele origin: germline.